The following is an entry in ClinVar:

ClinVar aggregate classification (germline): Uncertain significance. Review status: criteria provided, multiple submitters, no conflicts (2 of 4 stars). 2 submissions from 2 submitters: Uncertain significance (2). Last evaluated 2024-04-18.

Conditions:
Inborn genetic diseases. Identifiers: MedGen C0950123, MeSH D030342.

gnomAD v4.1: 3 of 1,572,918 alleles (0.00019%); highest among the groups gnomAD compares: Admixed American, 0.0018%; no homozygotes.

Submissions (2):

Ambry Genetics
Classification: Uncertain significance for Inborn genetic diseases. Last evaluated: 2024-04-18. Review status: criteria provided, single submitter. Criteria: Ambry Variant Classification Scheme 2023. Collection method: clinical testing. Allele origin: germline.

Labcorp Genetics (formerly Invitae), Labcorp
Classification: Uncertain significance. Last evaluated: 2021-12-30. Review status: criteria provided, single submitter. Criteria: Invitae Variant Classification Sherloc (09022015). Collection method: clinical testing. Allele origin: germline.
Comment: Algorithms developed to predict the effect of missense changes on protein structure and function are either unavailable or do not agree on the potential impact of this missense change (SIFT: "Deleterious"; PolyPhen-2: "Not Available"; Align-GVGD: "Class C0"). This variant has not been reported in the literature in individuals affected with PDZD7-related conditions. The frequency data for this variant in the population databases is considered unreliable, as metrics indicate poor data quality at this position in the gnomAD database. This sequence change replaces alanine, which is neutral and non-polar, with glutamic acid, which is acidic and polar, at codon 366 of the PDZD7 protein (p.Ala366Glu). In summary, the available evidence is currently insufficient to determine the role of this variant in disease. Therefore, it has been classified as a Variant of Uncertain Significance.

NM_001195263.2(PDZD7):c.1097C>A (p.Ala366Glu)

Gene: PDZD7 (PDZ domain containing 7; minus strand). Cytogenetic location: 10q24.31.
Variant type: single nucleotide variant.
Coding change: c.1097C>A on transcript NM_001195263.2 (MANE Select); coding-DNA position 1097, C replaced by A.
Protein change: p.Ala366Glu; replaces alanine 366 with glutamic acid.
Molecular consequence: missense variant.
Genome position (GRCh38, 1-based): chr10:101,019,049, G>T on the plus strand (C>A on the coding strand, the complement: PDZD7 is on the minus strand). VCF-style: chr10-101019049-G-T. GRCh37 (hg19) VCF-style: chr10-102778806-G-T.
Other names: c.1097C>A (NM_001195263.1); c.1097C>A, p.Ala366Glu (NM_001351044.2, NM_024895.5); short protein forms A366E.
Identifiers: ClinVar variation 2067166 (VCV002067166.4), dbSNP rs1216565026, ClinGen allele CA378228758.